The following is an entry in ClinVar:

NM_000352.6(ABCC8):c.3290A>C (p.His1097Pro)

Gene: ABCC8 (ATP binding cassette subfamily C member 8; minus strand). Cytogenetic location: 11p15.1.
Variant type: single nucleotide variant.
Coding change: c.3290A>C on transcript NM_000352.6 (MANE Select); coding-DNA position 3290, A replaced by C.
Protein change: p.His1097Pro; replaces histidine 1097 with proline.
Molecular consequence: missense variant. On other transcripts: non-coding transcript variant (1).
Genome position (GRCh38, 1-based): chr11:17,406,661, T>G on the plus strand (A>C on the coding strand, the complement: ABCC8 is on the minus strand). VCF-style: chr11-17406661-T-G. GRCh37 (hg19) VCF-style: chr11-17428208-T-G.
Other names: NM_000352.6(ABCC8):c.3290A>C; p.His1097Pro; c.3290A>C (NM_000352.3); c.3293A>C, p.His1098Pro (NM_001287174.3); c.3356A>C, p.His1119Pro (NM_001351295.2); c.3290A>C, p.His1097Pro (NM_001351296.2); c.3287A>C, p.His1096Pro (NM_001351297.2); short protein forms H1096P, H1097P, H1098P, H1119P.
Identifiers: ClinVar variation 1338431 (VCV001338431.12), dbSNP rs1352191146, ClinGen allele CA379801444.
Genomic context (GRCh38, chr11:17,406,661, plus strand): 5'-CTGGCCAGGGGAGACGGGTACCTCATGGGGGCTAGGATGATCCGGTTTAGCAGGCTGCGG[T>G]GCAGTCTCTTGGCCACCTTCAGCCCTGTCCACTCCACAGTGACAGACGTGACGAGGCACA-3'
Protein context (NP_000343.2, residues 1087-1107): WTGLKVAKRL[His1097Pro]RSLLNRIILA

ClinVar aggregate classification (germline): Conflicting classifications of pathogenicity. Review status: criteria provided, conflicting classifications (1 of 4 stars). 5 submissions from 5 submitters: Likely pathogenic (1); Uncertain significance (4). Last evaluated 2025-05-20.

Conditions:
Inborn genetic diseases. Identifiers: MedGen C0950123, MeSH D030342.
Hyperinsulinemic hypoglycemia, familial, 1 (HHF1). Also called: Persistent hyperinsulinemic hypoglycemia of infancy; HYPERINSULINISM, FAMILIAL, WITH PANCREATIC NESIDIOBLASTOSIS; HYPOGLYCEMIA, HYPERINSULINEMIC, OF INFANCY; Persistent Hyperinsulinemia Hypoglycemia of Infancy; NESIDIOBLASTOSIS OF PANCREAS. Identifiers: Orphanet 276575, Orphanet 276598, MedGen C2931832, MONDO:0009734, OMIM 256450.

Allele frequency attached by ClinVar (database versions not stated): gnomAD exomes below 0.00001; TOPMed 0.00001.
gnomAD v4.1: 1 of 1,614,130 alleles (0.000062%); highest among the groups gnomAD compares: Admixed American, 0.0017%; no homozygotes.

Submissions (5):

Ambry Genetics
Classification: Uncertain significance for Inborn genetic diseases. Last evaluated: 2025-05-20. Review status: criteria provided, single submitter. Criteria: Ambry Variant Classification Scheme 2023. Collection method: clinical testing. Allele origin: germline.

Women's Health and Genetics/Laboratory Corporation of America, LabCorp
Classification: Uncertain significance. Last evaluated: 2024-03-07. Review status: criteria provided, single submitter. Criteria: LabCorp Variant Classification Summary - May 2015. Collection method: clinical testing. Allele origin: germline.
Comment: Variant summary: ABCC8 c.3290A>C (p.His1097Pro) results in a non-conservative amino acid change located in the ABC transporter type 1, transmembrane domain (IPR011527) of the encoded protein sequence. Five of five in-silico tools predict a damaging effect of the variant on protein function. The variant allele was found at a frequency of 4e-06 in 251238 control chromosomes. The available data on variant occurrences in the general population are insufficient to allow any conclusion about variant significance. To our knowledge, no occurrence of c.3290A>C in individuals affected with Familial Hyperinsulinism and no experimental evidence demonstrating its impact on protein function have been reported. ClinVar contains an entry for this variant (Variation ID: 1338431). Based on the evidence outlined above, the variant was classified as uncertain significance.

Broad Center for Mendelian Genomics, Broad Institute of MIT and Harvard
Classification: Uncertain significance for Hyperinsulinemic hypoglycemia, familial, 1. Last evaluated: 2023-08-16. Review status: criteria provided, single submitter. Criteria: ACMG Guidelines, 2015. Collection method: curation. Allele origin: germline. Inheritance: Autosomal recessive inheritance.
Comment: The p.His1097Pro variant in ABCC8 has not been previously reported in the literature in individuals with hyperinsulinemic hypoglycemia, but has been seen in 0.003% (1/34574) of Latino/Admixed American chromosomes by the Genome Aggregation Database (gnomAD; dbSNP: rs1352191146). Although this variant has been seen in the general population in a heterozygous state, its frequency is low enough to be consistent with a recessive carrier frequency. This variant has also been reported in ClinVar (Variation ID: 1338431) and has been interpreted as likely pathogenic by Genetic Services Laboratory (University of Chicago) and as a variant of uncertain significance by Invitae. Computational prediction tools and conservation analyses suggest that this variant may impact the protein, though this information is not predictive enough to determine pathogenicity. In summary, the clinical significance of the p.His1097Pro variant is uncertain. ACMG/AMP Criteria applied: PP3, PM2_supporting (Richards 2015).

Labcorp Genetics (formerly Invitae), Labcorp
Classification: Uncertain significance. Last evaluated: 2021-09-17. Review status: criteria provided, single submitter. Criteria: Invitae Variant Classification Sherloc (09022015). Collection method: clinical testing. Allele origin: germline.
Comment: This sequence change replaces histidine with proline at codon 1097 of the ABCC8 protein (p.His1097Pro). The histidine residue is highly conserved and there is a moderate physicochemical difference between histidine and proline. This variant is not present in population databases (ExAC no frequency). This variant has not been reported in the literature in individuals affected with ABCC8-related conditions. Advanced modeling of protein sequence and biophysical properties (such as structural, functional, and spatial information, amino acid conservation, physicochemical variation, residue mobility, and thermodynamic stability) performed at Invitae indicates that this missense variant is expected to disrupt ABCC8 protein function. In summary, the available evidence is currently insufficient to determine the role of this variant in disease. Therefore, it has been classified as a Variant of Uncertain Significance.

Genetic Services Laboratory, University of Chicago
Classification: Likely pathogenic. Last evaluated: 2018-08-09. Review status: criteria provided, single submitter. Criteria: ACMG Guidelines, 2015. Collection method: clinical testing. Allele origin: germline. Affected: yes.
Comment: DNA sequence analysis of the ABCC8 gene demonstrated the presence of a sequence change, c.3290A>C, occurs exon 26 and results in an amino acid change, p.His1097Pro. The p.His1097Pro change affects a highly conserved amino acid residue located in a domain of the ABCC8 protein that is known to be functional. The p.His1097Pro substitution appears to be deleterious using several in-silico pathogenicity prediction tools (SIFT, PolyPhen2, REVEL). This particular amino acid change does not appear to have been described in the literature in other patients with ABCC8-related disorders. This sequence change has been described in the gnomAD database with a very low population frequency of 0.0004%.